The following is an entry in ClinVar:

ClinVar aggregate classification (germline): Uncertain significance. Review status: criteria provided, multiple submitters, no conflicts (2 of 4 stars). 2 submissions from 2 submitters: Uncertain significance (2). Last evaluated 2023-07-28.

Conditions:
Congenital contractural arachnodactyly (CCA). Also called: BEALS SYNDROME; Arthrogryposis, distal, type 9; Beals-Hecht syndrome. Identifiers: Orphanet 115, MedGen C0220668, MONDO:0007363, OMIM 121050.
Familial thoracic aortic aneurysm and aortic dissection (TAAD). Also called: Thoracic aortic aneurysms and dissections. Identifiers: Orphanet 91387, MedGen C4707243, MONDO:0019625.

Allele frequency attached by ClinVar (database versions not stated): gnomAD exomes below 0.00001; TOPMed below 0.00001; gnomAD 0.00001.
gnomAD v4.1: 3 of 1,613,966 alleles (0.00019%); highest among the groups gnomAD compares: Admixed American, 0.005%; no homozygotes.

Submissions (2):

Labcorp Genetics (formerly Invitae), Labcorp
Classification: Uncertain significance for Congenital contractural arachnodactyly. Last evaluated: 2023-07-28. Review status: criteria provided, single submitter. Criteria: Invitae Variant Classification Sherloc (09022015). Collection method: clinical testing. Allele origin: germline.
Comment: This sequence change replaces glycine, which is neutral and non-polar, with serine, which is neutral and polar, at codon 397 of the FBN2 protein (p.Gly397Ser). This variant is not present in population databases (gnomAD no frequency). This variant has not been reported in the literature in individuals affected with FBN2-related conditions. ClinVar contains an entry for this variant (Variation ID: 1744312). Advanced modeling of protein sequence and biophysical properties (such as structural, functional, and spatial information, amino acid conservation, physicochemical variation, residue mobility, and thermodynamic stability) performed at Invitae indicates that this missense variant is not expected to disrupt FBN2 protein function. In summary, the available evidence is currently insufficient to determine the role of this variant in disease. Therefore, it has been classified as a Variant of Uncertain Significance.

Ambry Genetics
Classification: Uncertain significance for Familial thoracic aortic aneurysm and aortic dissection. Last evaluated: 2019-08-26. Review status: criteria provided, single submitter. Criteria: Ambry Variant Classification Scheme 2023. Collection method: clinical testing. Allele origin: germline.
Comment: The p.G397S variant (also known as c.1189G>A), located in coding exon 9 of the FBN2 gene, results from a G to A substitution at nucleotide position 1189. The glycine at codon 397 is replaced by serine, an amino acid with similar properties, and is located in the TGFBP #01 domain. This amino acid position is not well conserved in available vertebrate species, and serine is the reference amino acid in other vertebrate species. In addition, the in silico prediction for this alteration is inconclusive. Since supporting evidence is limited at this time, the clinical significance of this alteration remains unclear.

NM_001999.4(FBN2):c.1189G>A (p.Gly397Ser)

Gene: FBN2 (fibrillin 2; minus strand). Cytogenetic location: 5q23.3.
Variant type: single nucleotide variant.
Coding change: c.1189G>A on transcript NM_001999.4 (MANE Select); coding-DNA position 1189, G replaced by A.
Protein change: p.Gly397Ser; replaces glycine 397 with serine.
Molecular consequence: missense variant.
Genome position (GRCh38, 1-based): chr5:128,395,164, C>T on the plus strand (G>A on the coding strand, the complement: FBN2 is on the minus strand). VCF-style: chr5-128395164-C-T. GRCh37 (hg19) VCF-style: chr5-127730857-C-T.
Other names: short protein forms G397S.
Identifiers: ClinVar variation 1744312 (VCV001744312.5), dbSNP rs1752614660, ClinGen allele CA360750528.
Genomic context (GRCh38, chr5:128,395,164, plus strand): 5'-TAACAGCCAGCCACGTACCAGAACCTCTGACAGGACAGGCTTCAGGAATGGTTCCGATGC[C>T]CCAGCAGCGGCCAGGCTCACAGCAGCACTGCATTTTCGTCATTCTCCCCGGGAGCTCTTG-3'
Protein context (NP_001990.2, residues 387-407): QCCCEPGRCW[Gly397Ser]IGTIPEACPV